The following is an entry in ClinVar:

NM_003482.4(KMT2D):c.11792_11809dup (p.Gln3936_Gln3937insLeuGlnGlnGlnGlnGln)

Gene: KMT2D (lysine methyltransferase 2D; minus strand). Cytogenetic location: 12q13.12.
Variant type: Duplication.
Coding change: c.11792_11809dup on transcript NM_003482.4 (MANE Select); coding-DNA positions 11792 to 11809, 18 bases duplicated (TTCAACAGCAGCAACAGC).
Protein change: p.Gln3936_Gln3937insLeuGlnGlnGlnGlnGln.
Genome position (GRCh38, 1-based): chr12:49,032,896-49,032,913, GCTGTTGCTGCTGTTGAA duplicated on the plus strand (TTCAACAGCAGCAACAGC on the coding strand, the reverse complement: KMT2D is on the minus strand); duplicating any 18 consecutive bases within chr12:49,032,896-49,032,926 gives the same sequence; the c. name uses the placement nearest the transcript's 3' end. VCF-style (leftmost placement, unchanged base first): chr12-49032895-T-TGCTGTTGCTGCTGTTGAA. GRCh37 (hg19) VCF-style: chr12-49426678-T-TGCTGTTGCTGCTGTTGAA.
Identifiers: ClinVar variation 4759592 (VCV004759592.1).

ClinVar aggregate classification (germline): Uncertain significance (1 of 4 stars; one submission).

Conditions:
Kabuki syndrome. Also called: NIIKAWA-KUROKI SYNDROME; Kabuki make-up syndrome. Identifiers: Orphanet 2322, MedGen C0796004, MONDO:0016512.

Submission:

Labcorp Genetics (formerly Invitae), Labcorp
Classification: Uncertain significance for Kabuki syndrome. Last evaluated: 2025-02-24. Review status: criteria provided, single submitter. Criteria: Invitae Variant Classification Sherloc (09022015). Collection method: clinical testing. Allele origin: germline.
Comment: This variant, c.11792_11809dup, results in the insertion of 6 amino acid(s) of the KMT2D protein (p.Leu3931_Gln3936dup), but otherwise preserves the integrity of the reading frame. The frequency data for this variant in the population databases is considered unreliable, as metrics indicate poor data quality at this position in the gnomAD database. This variant has not been reported in the literature in individuals affected with KMT2D-related conditions. Experimental studies and prediction algorithms are not available or were not evaluated, and the functional significance of this variant is currently unknown. In summary, the available evidence is currently insufficient to determine the role of this variant in disease. Therefore, it has been classified as a Variant of Uncertain Significance.